The following is an entry in ClinVar:

NM_206937.2(LIG4):c.1102G>A (p.Asp368Asn)

Gene: LIG4 (DNA ligase 4; minus strand). Cytogenetic location: 13q33.3.
Variant type: single nucleotide variant.
Coding change: c.1102G>A on transcript NM_206937.2 (MANE Select); coding-DNA position 1102, G replaced by A.
Protein change: p.Asp368Asn; replaces aspartic acid 368 with asparagine.
Molecular consequence: missense variant.
Genome position (GRCh38, 1-based): chr13:108,210,167, C>T on the plus strand (G>A on the coding strand, the complement: LIG4 is on the minus strand). VCF-style: chr13-108210167-C-T. GRCh37 (hg19) VCF-style: chr13-108862515-C-T.
Other names: c.1102G>A, p.Asp368Asn (NM_001098268.2, NM_001352598.2, NM_001352599.2 and 6 more transcripts); c.901G>A, p.Asp301Asn (NM_001330595.2); c.1138G>A, p.Asp380Asn (NM_001352604.2); short protein forms D301N, D368N, D380N.
Identifiers: ClinVar variation 4688222 (VCV004688222.1).

ClinVar aggregate classification (germline): Uncertain significance (1 of 4 stars; one submission).

gnomAD v4.1: 5 of 1,613,658 alleles (0.00031%); highest among the groups gnomAD compares: Non-Finnish European, 0.00042%; no homozygotes.

Submission:

Women's Health and Genetics/Laboratory Corporation of America, LabCorp
Classification: Uncertain significance. Last evaluated: 2025-12-18. Review status: criteria provided, single submitter. Criteria: LabCorp Variant Classification Summary - May 2015. Collection method: clinical testing. Allele origin: germline.
Comment: Variant summary: LIG4 c.1102G>A (p.Asp368Asn) results in a conservative amino acid change in the encoded protein sequence. Algorithms developed to predict the effect of missense changes on protein structure and function are either unavailable or do not agree on the potential impact of this missense change. The variant allele was found at a frequency of 8e-06 in 250744 control chromosomes. The available data on variant occurrences in the general population are insufficient to allow any conclusion about variant significance. To our knowledge, no occurrence of c.1102G>A in individuals affected with LIG4-related conditions and no experimental evidence demonstrating its impact on protein function have been reported. No submitters have cited clinical-significance assessments for this variant to ClinVar. Based on the evidence outlined above, the variant was classified as uncertain significance.